The following is an entry in ClinVar:

NM_007294.4(BRCA1):c.2473del (p.Asp825fs)

Gene: BRCA1 (BRCA1 DNA repair associated; minus strand). Cytogenetic location: 17q21.31.
Variant type: Deletion.
Coding change: c.2473del on transcript NM_007294.4 (MANE Select); coding-DNA position 2473, one base deleted (G; older notation c.2473delG).
Protein change: p.Asp825fs; shifts the reading frame from aspartic acid 825.
Molecular consequence: frameshift variant. On other transcripts: intron variant (137).
Genome position (GRCh38, 1-based): chr17:43,093,058, C deleted on the plus strand (G on the coding strand, the reverse complement: BRCA1 is on the minus strand). VCF-style (leftmost placement, unchanged base first): chr17-43093057-TC-T. GRCh37 (hg19) VCF-style: chr17-41245074-TC-T.
Other names: 2592delG; c.2329del, p.Asp777fs (NM_001407740.1, NM_001407741.1, NM_001407742.1 and 20 more transcripts); c.2332del, p.Asp778fs (NM_001407750.1, NM_001407751.1, NM_001407752.1 and 29 more transcripts); c.2260del, p.Asp754fs (NM_001407853.1, NM_001407894.1, NM_001407895.1 and 9 more transcripts); c.2473del, p.Asp825fs (NM_001407854.1, NM_001407858.1, NM_001407859.1 and 30 more transcripts); c.2470del, p.Asp824fs (NM_001407860.1, NM_001407861.1, NM_001407587.1 and 22 more transcripts); c.2272del, p.Asp758fs (NM_001407862.1); c.2350del, p.Asp784fs (NM_001407863.1, NM_001407919.1, NM_001407937.1 and 19 more transcripts); and 42 more; short protein forms D825fs, D778fs, D713fs, D714fs, D737fs, D757fs, D777fs, D822fs.
Identifiers: ClinVar variation 266265 (VCV000266265.6), dbSNP rs886040040, ClinGen allele CA10589850.

ClinVar aggregate classification (germline): Pathogenic. Review status: reviewed by expert panel (3 of 4 stars). 3 submissions from 3 submitters: Pathogenic (1). 2 of the submissions do not count toward it. Last evaluated 2016-10-18.

Conditions:
Hereditary breast ovarian cancer syndrome. Also called: Hereditary breast and ovarian cancer syndrome (HBOC); Breast and ovarian cancer; Hereditary breast and ovarian cancer syndrome; Hereditary breast and ovarian cancer; BRCA1- and BRCA2-Associated Hereditary Breast and Ovarian Cancer; Hereditary breast and/or ovarian cancer syndrome. Identifiers: Orphanet 145, MedGen C0677776, MeSH D061325, MONDO:0003582. Disease mechanism: loss of function.
Breast-ovarian cancer, familial, susceptibility to, 1 (BROVCA1). Also called: BRCA1 Hereditary Breast and Ovarian Cancer; OVARIAN CANCER, SUSCEPTIBILITY TO. Identifiers: Orphanet 145, MedGen C2676676, MONDO:0011450, OMIM 604370. Disease mechanism: loss of function.

Submissions (3):

Evidence-based Network for the Interpretation of Germline Mutant Alleles (ENIGMA)
Classification: Pathogenic for Breast-ovarian cancer, familial, susceptibility to, 1. Last evaluated: 2016-10-18. Review status: reviewed by expert panel. Criteria: ENIGMA BRCA1/2 Classification Criteria (2015). Collection method: curation. Allele origin: germline.
Comment: Variant allele predicted to encode a truncated non-functional protein.

Consortium of Investigators of Modifiers of BRCA1/2 (CIMBA), c/o University of Cambridge
Classification: Pathogenic for Breast-ovarian cancer, familial, susceptibility to, 1. Last evaluated: 2015-10-02. Review status: criteria provided, single submitter. Criteria: CIMBA Mutation Classification guidelines May 2016. Collection method: clinical testing. Allele origin: germline. Not counted in ClinVar's aggregate classification.

Research Molecular Genetics Laboratory, Women's College Hospital, University of Toronto
Classification: Pathogenic for Hereditary breast ovarian cancer syndrome. Last evaluated: 2014-01-31. Review status: no assertion criteria provided. Collection method: research. Allele origin: germline. Affected: yes. Study: The Canadian Open Genetics Repository (COGR). Not counted in ClinVar's aggregate classification.